The following is an entry in ClinVar:

ClinVar aggregate classification (germline): Uncertain significance (1 of 4 stars; one submission).

Conditions:
Cardiovascular phenotype. Identifiers: MedGen CN230736.

Submission:

Ambry Genetics
Classification: Uncertain significance for Cardiovascular phenotype. Last evaluated: 2023-02-16. Review status: criteria provided, single submitter. Criteria: Ambry Variant Classification Scheme 2023. Collection method: clinical testing. Allele origin: germline.
Comment: The p.R1922G variant (also known as c.5764A>G), located in coding exon 24 of the DSP gene, results from an A to G substitution at nucleotide position 5764. The arginine at codon 1922 is replaced by glycine, an amino acid with dissimilar properties. This amino acid position is conserved. In addition, this alteration is predicted to be tolerated by in silico analysis. Since supporting evidence is limited at this time, the clinical significance of this alteration remains unclear.

NM_004415.4(DSP):c.5764A>G (p.Arg1922Gly)

Gene: DSP (desmoplakin; plus strand). Cytogenetic location: 6p24.3.
Variant type: single nucleotide variant.
Coding change: c.5764A>G on transcript NM_004415.4 (MANE Select); coding-DNA position 5764, A replaced by G.
Protein change: p.Arg1922Gly; replaces arginine 1922 with glycine.
Molecular consequence: missense variant.
Genome position (GRCh38, 1-based): chr6:7,583,026, A>G. VCF-style: chr6-7583026-A-G. GRCh37 (hg19) VCF-style: chr6-7583259-A-G.
Other names: c.3967A>G, p.Arg1323Gly (NM_001008844.3); c.4435A>G, p.Arg1479Gly (NM_001319034.2); short protein forms R1922G, R1323G, R1479G.
Identifiers: ClinVar variation 2453262 (VCV002453262.2), dbSNP rs2533937460, ClinGen allele CA362689362.